The following is an entry in ClinVar:

ClinVar aggregate classification (germline): Benign (1 of 4 stars; one submission).

Conditions:
LENG8-related disorder. Also called: LENG8-related condition.

Submission:

PreventionGenetics, part of Exact Sciences
Classification: Benign for LENG8-related condition. Last evaluated: 2025-04-24. Review status: criteria provided, single submitter. Criteria: ACMG Guidelines, 2015. Collection method: clinical testing. Allele origin: germline.
Comment: This variant is classified as benign based on ACMG/AMP sequence variant interpretation guidelines (Richards et al. 2015 PMID: 25741868, with internal and published modifications).

NM_052925.4(LENG8):c.1304+4C>T

Gene: LENG8 (leukocyte receptor cluster member 8; plus strand). Cytogenetic location: 19q13.42.
Variant type: single nucleotide variant.
Coding change: c.1304+4C>T on transcript NM_052925.4 (MANE Select); 4 bases into the intron after coding-DNA position 1304, C replaced by T.
Molecular consequence: intron variant.
Genome position (GRCh38, 1-based): chr19:54,456,249, C>T. VCF-style: chr19-54456249-C-T. GRCh37 (hg19) VCF-style: chr19-54967428-C-T.
Other names: c.1304+4C>T (NM_001375638.1, NM_001375641.1, NM_001438286.1 and 2 more transcripts); c.1193+4C>T (NM_001438284.1, NM_001438289.1, NM_001437985.1 and 3 more transcripts); c.1250+4C>T (NM_001375639.1, NM_001438283.1); c.1139+4C>T (NM_001438285.1).
Identifiers: ClinVar variation 4987398 (VCV004987398.1).
Genomic context (GRCh38, chr19:54,456,249, plus strand): 5'-CACAGACTCCCGCTCCCGCTCCTCCTCCAGGTCCCCGACGCGCCACTTCCGCAGAAGGTA[C>T]TGAGGCTCCCGGCTGGGGCTGTGTGTGAGGGAGGGGGAGGCGTTTCAGGCCTGACCCTCC-3'